The following is an entry in ClinVar:

ClinVar aggregate classification (germline): Uncertain significance. Review status: criteria provided, multiple submitters, no conflicts (2 of 4 stars). 2 submissions from 2 submitters: Uncertain significance (2). Last evaluated 2025-05-13.

Allele frequency attached by ClinVar (database versions not stated): gnomAD 0.00001; TOPMed 0.00001.
gnomAD v4.1: 10 of 1,613,992 alleles (0.00062%); highest among the groups gnomAD compares: Non-Finnish European, 0.00085%; no homozygotes.

Submissions (2):

Labcorp Genetics (formerly Invitae), Labcorp
Classification: Uncertain significance. Last evaluated: 2025-05-13. Review status: criteria provided, single submitter. Criteria: Invitae Variant Classification Sherloc (09022015). Collection method: clinical testing. Allele origin: germline.
Comment: This sequence change replaces glycine, which is neutral and non-polar, with valine, which is neutral and non-polar, at codon 820 of the SULF1 protein (p.Gly820Val). The frequency data for this variant in the population databases is considered unreliable, as metrics indicate poor data quality at this position in the gnomAD database. This variant has not been reported in the literature in individuals affected with SULF1-related conditions. ClinVar contains an entry for this variant (Variation ID: 2419282). An algorithm developed to predict the effect of missense changes on protein structure and function (PolyPhen-2) suggests that this variant is likely to be tolerated. In summary, the available evidence is currently insufficient to determine the role of this variant in disease. Therefore, it has been classified as a Variant of Uncertain Significance.

Ambry Genetics
Classification: Uncertain significance. Last evaluated: 2025-03-06. Review status: criteria provided, single submitter. Criteria: Ambry Variant Classification Scheme 2023. Collection method: clinical testing. Allele origin: germline.

NM_001128205.2(SULF1):c.2459G>T (p.Gly820Val)

Gene: SULF1 (sulfatase 1; plus strand). Cytogenetic location: 8q13.3.
Variant type: single nucleotide variant.
Coding change: c.2459G>T on transcript NM_001128205.2 (MANE Select); coding-DNA position 2459, G replaced by T.
Protein change: p.Gly820Val; replaces glycine 820 with valine.
Molecular consequence: missense variant. On other transcripts: non-coding transcript variant (3).
Genome position (GRCh38, 1-based): chr8:69,638,766, G>T. VCF-style: chr8-69638766-G-T. GRCh37 (hg19) VCF-style: chr8-70551001-G-T.
Other names: c.2459G>T, p.Gly820Val (NM_001128204.2, NM_001128206.2, NM_001412828.1 and 7 more transcripts); c.2330G>T, p.Gly777Val (NM_001412832.1, NM_001412838.1, NM_001412839.1 and 1 more transcripts); c.2402G>T, p.Gly801Val (NM_001412836.1, NM_001412837.1); c.2273G>T, p.Gly758Val (NM_001412841.1, NM_001412842.1); c.2316G>T, p.Arg772Ser (NM_001412843.1, NM_001412850.1, NM_001412851.1); c.1859G>T, p.Gly620Val (NM_001412844.1, NM_001412845.1); c.668G>T, p.Gly223Val (NM_001412846.1); c.2459G>T (NM_001128205.1); short protein forms G223V, G620V, G758V, G777V, G801V, G820V, R772S.
Identifiers: ClinVar variation 2419282 (VCV002419282.7), dbSNP rs1309394446, ClinGen allele CA371228108.